The following is an entry in ClinVar:

NM_003072.5(SMARCA4):c.1199C>G (p.Ala400Gly)

Gene: SMARCA4 (SWI/SNF related BAF chromatin remodeling complex subunit ATPase 4; plus strand). Cytogenetic location: 19p13.2.
Variant type: single nucleotide variant.
Coding change: c.1199C>G on transcript NM_003072.5 (MANE Select); coding-DNA position 1199, C replaced by G.
Protein change: p.Ala400Gly; replaces alanine 400 with glycine.
Molecular consequence: missense variant. On other transcripts: non-coding transcript variant (1).
Genome position (GRCh38, 1-based): chr19:10,989,397, C>G. VCF-style: chr19-10989397-C-G. GRCh37 (hg19) VCF-style: chr19-11100073-C-G.
Other names: c.1199C>G, p.Ala400Gly (NM_001128844.3, NM_001128845.2, NM_001128846.2 and 6 more transcripts); short protein forms A400G.
Identifiers: ClinVar variation 4802548 (VCV004802548.1).
Genomic context (GRCh38, chr19:10,989,397, plus strand): 5'-ACCGAATTCAGGAACTTGAAAACCTTCCCGGGTCCCTGGCCGGGGATTTGCGAACCAAAG[C>G]GACCATTGAGCTCAAGGCCCTCAGGCTGCTGAACTTCCAGAGGCAGGTGGGTGCTGGCAT-3'
Protein context (NP_003063.2, residues 390-410): GSLAGDLRTK[Ala400Gly]TIELKALRLL

ClinVar aggregate classification (germline): Uncertain significance (1 of 4 stars; one submission).

Conditions:
Rhabdoid tumor predisposition syndrome 2 (RTPS2). Identifiers: Orphanet 231108, Orphanet 69077, MedGen C2750074, MONDO:0013224, OMIM 613325.

Submission:

Labcorp Genetics (formerly Invitae), Labcorp
Classification: Uncertain significance for Rhabdoid tumor predisposition syndrome 2. Last evaluated: 2025-03-15. Review status: criteria provided, single submitter. Criteria: Invitae Variant Classification Sherloc (09022015). Collection method: clinical testing. Allele origin: germline.
Comment: This sequence change replaces alanine, which is neutral and non-polar, with glycine, which is neutral and non-polar, at codon 400 of the SMARCA4 protein (p.Ala400Gly). This variant is not present in population databases (gnomAD no frequency). This variant has not been reported in the literature in individuals affected with SMARCA4-related conditions. Invitae Evidence Modeling of protein sequence and biophysical properties (such as structural, functional, and spatial information, amino acid conservation, physicochemical variation, residue mobility, and thermodynamic stability) has been performed for this missense variant. However, the output from this modeling did not meet the statistical confidence thresholds required to predict the impact of this variant on SMARCA4 protein function. In summary, the available evidence is currently insufficient to determine the role of this variant in disease. Therefore, it has been classified as a Variant of Uncertain Significance.